The following is an entry in ClinVar:

NM_001113378.2(FANCI):c.2693A>C (p.Lys898Thr)

Gene: FANCI (FA complementation group I; plus strand). Cytogenetic location: 15q26.1.
Variant type: single nucleotide variant.
Coding change: c.2693A>C on transcript NM_001113378.2 (MANE Select); coding-DNA position 2693, A replaced by C.
Protein change: p.Lys898Thr; replaces lysine 898 with threonine.
Molecular consequence: missense variant.
Genome position (GRCh38, 1-based): chr15:89,299,856, A>C. VCF-style: chr15-89299856-A-C. GRCh37 (hg19) VCF-style: chr15-89843087-A-C.
Other names: c.2414A>C, p.Lys805Thr (NM_001376910.1); c.2693A>C, p.Lys898Thr (NM_001376911.1); c.2513A>C, p.Lys838Thr (NM_018193.3); short protein forms K838T, K898T, K805T.
Identifiers: ClinVar variation 938670 (VCV000938670.9), dbSNP rs530089482, ClinGen allele CA393736707.

ClinVar aggregate classification (germline): Uncertain significance (1 of 4 stars; one submission).

Conditions:
Fanconi anemia (FA). Also called: Fanconi's anemia. Identifiers: Orphanet 84, MedGen C0015625, MeSH D005199, MONDO:0019391.

Submission:

Labcorp Genetics (formerly Invitae), Labcorp
Classification: Uncertain significance for Fanconi anemia. Last evaluated: 2019-08-02. Review status: criteria provided, single submitter. Criteria: Invitae Variant Classification Sherloc (09022015). Collection method: clinical testing. Allele origin: germline.
Comment: This variant is not present in population databases (ExAC no frequency). This sequence change replaces lysine with threonine at codon 898 of the FANCI protein (p.Lys898Thr). The lysine residue is moderately conserved and there is a moderate physicochemical difference between lysine and threonine. This variant has not been reported in the literature in individuals with FANCI-related conditions. In summary, the available evidence is currently insufficient to determine the role of this variant in disease. Therefore, it has been classified as a Variant of Uncertain Significance. Algorithms developed to predict the effect of missense changes on protein structure and function are either unavailable or do not agree on the potential impact of this missense change (SIFT: "Deleterious"; PolyPhen-2: "Benign"; Align-GVGD: "Class C0").